The following is an entry in ClinVar:

NM_000094.4(COL7A1):c.4991G>C (p.Gly1664Ala)

Gene: COL7A1 (collagen type VII alpha 1 chain; minus strand). Cytogenetic location: 3p21.31.
Variant type: single nucleotide variant.
Coding change: c.4991G>C on transcript NM_000094.4 (MANE Select); coding-DNA position 4991, G replaced by C.
Protein change: p.Gly1664Ala; replaces glycine 1664 with alanine.
Molecular consequence: missense variant.
Genome position (GRCh38, 1-based): chr3:48,580,642, C>G on the plus strand (G>C on the coding strand, the complement: COL7A1 is on the minus strand). VCF-style: chr3-48580642-C-G. GRCh37 (hg19) VCF-style: chr3-48618075-C-G.
Other names: short protein forms G1664A.
Identifiers: ClinVar variation 2203371 (VCV002203371.4), dbSNP rs2531087867, ClinGen allele CA352680093.

ClinVar aggregate classification (germline): Pathogenic (1 of 4 stars; one submission).

Submission:

Labcorp Genetics (formerly Invitae), Labcorp
Classification: Pathogenic. Last evaluated: 2022-02-13. Review status: criteria provided, single submitter. Criteria: Invitae Variant Classification Sherloc (09022015). Collection method: clinical testing. Allele origin: germline.
Comment: This variant disrupts the triple helix domain of COL7A1. Glycine residues within the Gly-Xaa-Yaa repeats of the triple helix domain are required for the structure and stability of fibrillar collagens (PMID: 7695699, 8218237, 19344236), and variants at these glycine residues in COL7A1 are more frequently observed in individuals with disease than in the general population (PMID: 22058051). However, the clinical significance of this observation remains uncertain since only a limited number of affected individuals have been described to date. For these reasons, this variant has been classified as Pathogenic. This sequence change replaces glycine, which is neutral and non-polar, with alanine, which is neutral and non-polar, at codon 1664 of the COL7A1 protein (p.Gly1664Ala). This variant is not present in population databases (gnomAD no frequency). This missense change has been observed in individuals with autosomal recessive epidermolysis bullosa dystrophica (PMID: 12485454, 16271705). Algorithms developed to predict the effect of missense changes on protein structure and function are either unavailable or do not agree on the potential impact of this missense change (SIFT: "Deleterious"; PolyPhen-2: "Not Available"; Align-GVGD: "Class C0").

Literature cited by the submitters: PubMed 7695699; PubMed 8218237; PubMed 19344236; PubMed 22058051; PubMed 12485454; PubMed 16271705.